The following is an entry in ClinVar:

NM_002661.5(PLCG2):c.1662G>A (p.Thr554=)

Gene: PLCG2 (phospholipase C gamma 2; plus strand). Cytogenetic location: 16q23.3.
Variant type: single nucleotide variant.
Coding change: c.1662G>A on transcript NM_002661.5 (MANE Select); coding-DNA position 1662, G replaced by A.
Protein change: p.Thr554=; no amino-acid change (threonine 554 retained).
Molecular consequence: synonymous variant.
Genome position (GRCh38, 1-based): chr16:81,908,520, G>A. VCF-style: chr16-81908520-G-A. GRCh37 (hg19) VCF-style: chr16-81942125-G-A.
Identifiers: ClinVar variation 1658842 (VCV001658842.9), dbSNP rs771756610, ClinGen allele CA8193881.

ClinVar aggregate classification (germline): Likely benign. Review status: criteria provided, multiple submitters, no conflicts (2 of 4 stars). 2 submissions from 2 submitters: Likely benign (2). Last evaluated 2026-09-01.

Conditions:
Familial cold autoinflammatory syndrome 3 (FCAS3). Also called: FAMILIAL ATYPICAL COLD URTICARIA; ANTIBODY DEFICIENCY AND IMMUNE DYSREGULATION, PLCG2-ASSOCIATED. Identifiers: Orphanet 300359, MedGen C3280914, MONDO:0013766, OMIM 614468.

Allele frequency attached by ClinVar (database versions not stated): ExAC 0.00002; gnomAD exomes 0.00003 and 0.00004; gnomAD 0.00005; TOPMed 0.00008.

Submissions (2):

CeGaT Center for Human Genetics Tuebingen
Classification: Likely benign. Last evaluated: 2026-09-01. Review status: criteria provided, single submitter. Criteria: CeGaT Center For Human Genetics Tuebingen Variant Classification Criteria Version 2. Collection method: clinical testing. Allele origin: germline. Affected: yes. Observed: 1 variant allele.
Comment: PLCG2: BP4, BP7

Labcorp Genetics (formerly Invitae), Labcorp
Classification: Likely benign for Familial cold autoinflammatory syndrome 3. Last evaluated: 2026-01-01. Review status: criteria provided, single submitter. Criteria: Invitae Variant Classification Sherloc (09022015). Collection method: clinical testing. Allele origin: germline.